The following is an entry in ClinVar:

NM_004415.4(DSP):c.3559G>A (p.Glu1187Lys)

Gene: DSP (desmoplakin; plus strand). Cytogenetic location: 6p24.3.
Variant type: single nucleotide variant.
Coding change: c.3559G>A on transcript NM_004415.4 (MANE Select); coding-DNA position 3559, G replaced by A.
Protein change: p.Glu1187Lys; replaces glutamic acid 1187 with lysine.
Molecular consequence: missense variant.
Genome position (GRCh38, 1-based): chr6:7,579,749, G>A. VCF-style: chr6-7579749-G-A. GRCh37 (hg19) VCF-style: chr6-7579982-G-A.
Other names: c.3559G>A, p.Glu1187Lys (NM_001008844.3, NM_001319034.2); short protein forms E1187K.
Identifiers: ClinVar variation 950740 (VCV000950740.10), dbSNP rs1759359375, ClinGen allele CA362684334.

ClinVar aggregate classification (germline): Uncertain significance (1 of 4 stars; one submission).

Conditions:
Arrhythmogenic cardiomyopathy with wooly hair and keratoderma. Also called: Carvajal syndrome; PALMOPLANTAR KERATODERMA WITH LEFT VENTRICULAR CARDIOMYOPATHY AND WOOLLY HAIR; Dilated cardiomyopathy with woolly hair and keratoderma; Arrhythmogenic cardiomyopathy with woolly hair and keratoderma. Identifiers: Orphanet 65282, MedGen C1854063, MONDO:0011581, OMIM 605676.
Arrhythmogenic right ventricular dysplasia 8 (ARVD8). Also called: ARRHYTHMOGENIC RIGHT VENTRICULAR DYSPLASIA, FAMILIAL, 8; ARRHYTHMOGENIC RIGHT VENTRICULAR CARDIOMYOPATHY 8; Arrhythmogenic Right Ventricular Dysplasia/Cardiomyopathy 8. Identifiers: MedGen C1843896, MONDO:0011831, OMIM 607450.

Submission:

Labcorp Genetics (formerly Invitae), Labcorp
Classification: Uncertain significance for Arrhythmogenic cardiomyopathy with wooly hair and keratoderma; Arrhythmogenic right ventricular dysplasia 8. Last evaluated: 2024-01-22. Review status: criteria provided, single submitter. Criteria: Invitae Variant Classification Sherloc (09022015). Collection method: clinical testing. Allele origin: germline.
Comment: This sequence change replaces glutamic acid, which is acidic and polar, with lysine, which is basic and polar, at codon 1187 of the DSP protein (p.Glu1187Lys). This variant is not present in population databases (gnomAD no frequency). This variant has not been reported in the literature in individuals affected with DSP-related conditions. ClinVar contains an entry for this variant (Variation ID: 950740). An algorithm developed to predict the effect of missense changes on protein structure and function (PolyPhen-2) suggests that this variant is likely to be disruptive. In summary, the available evidence is currently insufficient to determine the role of this variant in disease. Therefore, it has been classified as a Variant of Uncertain Significance.